The following is an entry in ClinVar:

ClinVar aggregate classification (germline): Likely pathogenic (1 of 4 stars; one submission).

Conditions:
Ullrich congenital muscular dystrophy 2 (UCMD2). Identifiers: Orphanet 75840, MedGen C4225314, MONDO:0014654, OMIM 616470.
Bethlem myopathy 2 (BTHLM2). Identifiers: Orphanet 536516, Orphanet 610, MedGen C4225313, MONDO:0034022, OMIM 616471.

gnomAD v4.1: 1 of 1,552,666 alleles (0.000064%); highest among the groups gnomAD compares: Non-Finnish European, 0.000087%; no homozygotes.

Submission:

Labcorp Genetics (formerly Invitae), Labcorp
Classification: Likely pathogenic for Bethlem myopathy 2; Ullrich congenital muscular dystrophy 2. Last evaluated: 2020-09-15. Review status: criteria provided, single submitter. Criteria: Invitae Variant Classification Sherloc (09022015). Collection method: clinical testing. Allele origin: germline.
Comment: In summary, the currently available evidence indicates that the variant is pathogenic, but additional data are needed to prove that conclusively. Therefore, this variant has been classified as Likely Pathogenic. Donor and acceptor splice site variants typically lead to a loss of protein function (PMID: 16199547), and loss-of-function variants in COL12A1 are known to be pathogenic (PMID: 24334604, 28973083). Algorithms developed to predict the effect of sequence changes on RNA splicing suggest that this variant may disrupt the consensus splice site, but this prediction has not been confirmed by published transcriptional studies. This variant has not been reported in the literature in individuals with COL12A1-related conditions. This variant is not present in population databases (ExAC no frequency). This sequence change affects an acceptor splice site in intron 42 of the COL12A1 gene. It is expected to disrupt RNA splicing and likely results in an absent or disrupted protein product.

Literature cited by the submitters: PubMed 16199547; PubMed 24334604; PubMed 28973083.

NM_004370.6(COL12A1):c.6872-2A>G

Gene: COL12A1 (collagen type XII alpha 1 chain; minus strand). Cytogenetic location: 6q13.
Variant type: single nucleotide variant.
Coding change: c.6872-2A>G on transcript NM_004370.6 (MANE Select); the canonical splice acceptor site of the intron before coding-DNA position 6872, A replaced by G.
Molecular consequence: splice acceptor variant.
Genome position (GRCh38, 1-based): chr6:75,123,406, T>C on the plus strand (A>G on the coding strand, the complement: COL12A1 is on the minus strand). VCF-style: chr6-75123406-T-C. GRCh37 (hg19) VCF-style: chr6-75833122-T-C.
Other names: c.3380-2A>G (NM_080645.3).
Identifiers: ClinVar variation 1066887 (VCV001066887.7), dbSNP rs2149372690, ClinGen allele CA364728240.